The following is an entry in ClinVar:

NC_000007.14:g.140798273_140798279T[7]CTTTTTTTTTTT[1]

Gene: BRAF (B-Raf proto-oncogene, serine/threonine kinase; minus strand). Cytogenetic location: 7q34.
Variant type: Microsatellite.
Genome position: GRCh38 VCF-style: chr7-140798272-C-CTTTTTTTCTTTT. GRCh37 (hg19) VCF-style: chr7-140498072-C-CTTTTTTTCTTTT.
Identifiers: ClinVar variation 2658085 (VCV002658085.24), dbSNP rs1554402874.

ClinVar aggregate classification (germline): Likely benign (1 of 4 stars; one submission).

Submission:

CeGaT Center for Human Genetics Tuebingen
Classification: Likely benign. Last evaluated: 2023-05-01. Review status: criteria provided, single submitter. Criteria: CeGaT Center For Human Genetics Tuebingen Variant Classification Criteria Version 2. Collection method: clinical testing. Allele origin: germline. Affected: yes. Observed: 2 variant alleles.
Comment: BRAF: BS1